The following is an entry in ClinVar:

ClinVar aggregate classification (germline): Uncertain significance. Review status: criteria provided, multiple submitters, no conflicts (2 of 4 stars). 2 submissions from 2 submitters: Uncertain significance (2). Last evaluated 2025-03-11.

Allele frequency attached by ClinVar (database versions not stated): ExAC 0.00001; gnomAD 0.00003; TOPMed 0.00003; ESP Exome Variant Server 0.00008.

Submissions (2):

Ambry Genetics
Classification: Uncertain significance. Last evaluated: 2025-03-11. Review status: criteria provided, single submitter. Criteria: Ambry Variant Classification Scheme 2023. Collection method: clinical testing. Allele origin: germline.

Labcorp Genetics (formerly Invitae), Labcorp
Classification: Uncertain significance. Last evaluated: 2022-08-16. Review status: criteria provided, single submitter. Criteria: Invitae Variant Classification Sherloc (09022015). Collection method: clinical testing. Allele origin: germline.
Comment: This sequence change replaces alanine, which is neutral and non-polar, with valine, which is neutral and non-polar, at codon 749 of the CACNA1B protein (p.Ala749Val). The frequency data for this variant in the population databases is considered unreliable, as metrics indicate poor data quality at this position in the gnomAD database. This variant has not been reported in the literature in individuals affected with CACNA1B-related conditions. Advanced modeling of protein sequence and biophysical properties (such as structural, functional, and spatial information, amino acid conservation, physicochemical variation, residue mobility, and thermodynamic stability) performed at Invitae indicates that this missense variant is not expected to disrupt CACNA1B protein function. In summary, the available evidence is currently insufficient to determine the role of this variant in disease. Therefore, it has been classified as a Variant of Uncertain Significance.

NM_000718.4(CACNA1B):c.2246C>T (p.Ala749Val)

Genes: CACNA1B (calcium voltage-gated channel subunit alpha1 B; plus strand), LOC108254695 (9q34.3 CACNA1B recombination region; plus strand). Cytogenetic location: 9q34.3.
Variant type: single nucleotide variant.
Coding change: c.2246C>T on transcript NM_000718.4 (MANE Select); coding-DNA position 2246, C replaced by T.
Protein change: p.Ala749Val; replaces alanine 749 with valine.
Molecular consequence: missense variant.
Genome position (GRCh38, 1-based): chr9:138,013,214, C>T. VCF-style: chr9-138013214-C-T. GRCh37 (hg19) VCF-style: chr9-140907666-C-T.
Other names: c.2246C>T, p.Ala749Val (NM_001243812.2); c.2246C>T (NM_000718.3); short protein forms A749V.
Identifiers: ClinVar variation 1904919 (VCV001904919.3), dbSNP rs373842575, ClinGen allele CA5376413.
Genomic context (GRCh38, chr9:138,013,214, plus strand): 5'-CCAATCAGAAGCTTGCTCTGCAAAAGGCCAAAGAAGTGGCTGAAGTCAGCCCCATGTCTG[C>T]CGCGAACATCTCCATCGCCGCGTAAGGCTCCTAGGAGTGGATTGTGGGGTGGCAGTGGGG-3'
Protein context (NP_000709.1, residues 739-759): KEVAEVSPMS[Ala749Val]ANISIAARQQ